The following is an entry in ClinVar:

NM_000535.7(PMS2):c.1344A>C (p.Gly448=)

Gene: PMS2 (PMS1 homolog 2, mismatch repair system component; minus strand). Cytogenetic location: 7p22.1.
Variant type: single nucleotide variant.
Coding change: c.1344A>C on transcript NM_000535.7 (MANE Select); coding-DNA position 1344, A replaced by C.
Protein change: p.Gly448=; no amino-acid change (glycine 448 retained).
Molecular consequence: synonymous variant. On other transcripts: non-coding transcript variant (1), intron variant (1).
Genome position (GRCh38, 1-based): chr7:5,987,421, T>G on the plus strand (A>C on the coding strand, the complement: PMS2 is on the minus strand). VCF-style: chr7-5987421-T-G. GRCh37 (hg19) VCF-style: chr7-6027052-T-G.
Other names: c.1035A>C, p.Gly345= (NM_001406875.1, NM_001406877.1, NM_001406878.1 and 5 more transcripts); c.1026A>C, p.Gly342= (NM_001406876.1, NM_001406883.1, NM_001406903.1 and 2 more transcripts); c.1020A>C, p.Gly340= (NM_001406884.1); c.1008A>C, p.Gly336= (NM_001406885.1); c.978A>C, p.Gly326= (NM_001406886.1); c.939A>C, p.Gly313= (NM_001406887.1, NM_001406888.1, NM_001406889.1 and 16 more transcripts); c.879A>C, p.Gly293= (NM_001406900.1); c.870A>C, p.Gly290= (NM_001406901.1, NM_001406902.1); and 13 more.
Identifiers: ClinVar variation 3904016 (VCV003904016.1).

ClinVar aggregate classification (germline): Benign (1 of 4 stars; one submission).

Conditions:
Lynch syndrome 4 (LYNCH4). Also called: Colorectal cancer, hereditary nonpolyposis, type 4; Hereditary non-polyposis colorectal cancer, type 4. Identifiers: Orphanet 144, MedGen C1838333, MONDO:0013699, OMIM 614337. Disease mechanism: loss of function.

Submission:

Myriad Genetics, Inc.
Classification: Benign for Lynch syndrome 4. Last evaluated: 2025-01-30. Review status: criteria provided, single submitter. Criteria: Myriad Autosomal Dominant, Autosomal Recessive and X-Linked Classification Criteria (2023). Collection method: clinical testing. Allele origin: unknown.
Comment: This variant is considered benign. This variant is a silent/synonymous amino acid change and it is not expected to impact splicing.